The following is an entry in ClinVar:

ClinVar aggregate classification (germline): Uncertain significance. Review status: criteria provided, multiple submitters, no conflicts (2 of 4 stars). 2 submissions from 2 submitters: Uncertain significance (2). Last evaluated 2024-12-03.

Conditions:
Renal carnitine transport defect (CDSP). Also called: Carnitine Deficiency, Systemic; Primary carnitine deficiency; CARNITINE DEFICIENCY, SYSTEMIC, DUE TO DEFECT IN RENAL REABSORPTION OF CARNITINE; CARNITINE TRANSPORTER, PLASMA-MEMBRANE, DEFICIENCY OF; CARNITINE UPTAKE DEFECT; Systemic primary carnitine deficiency disease. Identifiers: Orphanet 158, MedGen C0342788, MONDO:0008919, OMIM 212140.

Allele frequency attached by ClinVar (database versions not stated): gnomAD exomes below 0.00001; gnomAD 0.00001; TOPMed 0.00001.
gnomAD v4.1: 9 of 1,614,138 alleles (0.00056%); highest among the groups gnomAD compares: Admixed American, 0.0033%; no homozygotes.

Submissions (2):

GeneDx
Classification: Uncertain significance. Last evaluated: 2024-12-03. Review status: criteria provided, single submitter. Criteria: GeneDx Variant Classification Process June 2021. Collection method: clinical testing. Allele origin: germline. Affected: yes.
Comment: Not observed at significant frequency in large population cohorts (gnomAD); In silico analysis supports that this missense variant has a deleterious effect on protein structure/function; Has not been previously published as pathogenic or benign to our knowledge

Labcorp Genetics (formerly Invitae), Labcorp
Classification: Uncertain significance for Renal carnitine transport defect. Last evaluated: 2021-09-17. Review status: criteria provided, single submitter. Criteria: Invitae Variant Classification Sherloc (09022015). Collection method: clinical testing. Allele origin: germline.
Comment: This sequence change replaces valine with alanine at codon 203 of the SLC22A5 protein (p.Val203Ala). The valine residue is highly conserved and there is a small physicochemical difference between valine and alanine. This variant is not present in population databases (ExAC no frequency). This variant has not been reported in the literature in individuals with SLC22A5-related conditions. Algorithms developed to predict the effect of missense changes on protein structure and function are either unavailable or do not agree on the potential impact of this missense change (SIFT: "Tolerated"; PolyPhen-2: "Possibly Damaging"; Align-GVGD: "Class C0"). In summary, the available evidence is currently insufficient to determine the role of this variant in disease. Therefore, it has been classified as a Variant of Uncertain Significance.

NM_003060.4(SLC22A5):c.608T>C (p.Val203Ala)

Gene: SLC22A5 (solute carrier family 22 member 5; plus strand). Cytogenetic location: 5q31.1.
Variant type: single nucleotide variant.
Coding change: c.608T>C on transcript NM_003060.4 (MANE Select); coding-DNA position 608, T replaced by C.
Protein change: p.Val203Ala; replaces valine 203 with alanine.
Molecular consequence: missense variant.
Genome position (GRCh38, 1-based): chr5:132,384,257, T>C. VCF-style: chr5-132384257-T-C. GRCh37 (hg19) VCF-style: chr5-131719949-T-C.
Other names: c.608T>C (NM_003060.3); c.680T>C, p.Val227Ala (NM_001308122.2); short protein forms V203A, V227A.
Identifiers: ClinVar variation 2063352 (VCV002063352.2), dbSNP rs1390945718, ClinGen allele CA360804837.
Genomic context (GRCh38, chr5:132,384,257, plus strand): 5'-TCAGCTTCCTGCAGATCTTCTCGAAGAATTTTGAGATGTTTGTCGTGCTGTTTGTCCTTG[T>C]AGGCATGGGCCAGATCTCCAACTATGTGGCAGCATTTGTCCTGGGTATGGCCATCAGGTT-3'
Protein context (NP_003051.1, residues 193-213): FEMFVVLFVL[Val203Ala]GMGQISNYVA